The following is an entry in ClinVar:

ClinVar aggregate classification (germline): Uncertain significance (1 of 4 stars; one submission).

gnomAD v4.1: 1 of 1,614,000 alleles (0.000062%); highest among the groups gnomAD compares: Non-Finnish European, 0.000085%; no homozygotes.

Submission:

Ambry Genetics
Classification: Uncertain significance. Last evaluated: 2024-11-08. Review status: criteria provided, single submitter. Criteria: Ambry Variant Classification Scheme 2023. Collection method: clinical testing. Allele origin: germline.
Comment: The p.S1385C variant (also known as c.4154C>G), located in coding exon 17 of the NPAT gene, results from a C to G substitution at nucleotide position 4154. The serine at codon 1385 is replaced by cysteine, an amino acid with dissimilar properties. This amino acid position is conserved. In addition, this alteration is predicted to be tolerated by in silico analysis. Based on the available evidence, the clinical significance of this variant remains unclear.

NM_002519.3(NPAT):c.4154C>G (p.Ser1385Cys)

Gene: NPAT (nuclear protein, coactivator of histone transcription; minus strand). Cytogenetic location: 11q22.3.
Variant type: single nucleotide variant.
Coding change: c.4154C>G on transcript NM_002519.3 (MANE Select); coding-DNA position 4154, C replaced by G.
Protein change: p.Ser1385Cys; replaces serine 1385 with cysteine.
Molecular consequence: missense variant.
Genome position (GRCh38, 1-based): chr11:108,160,932, G>C on the plus strand (C>G on the coding strand, the complement: NPAT is on the minus strand). VCF-style: chr11-108160932-G-C. GRCh37 (hg19) VCF-style: chr11-108031659-G-C.
Other names: c.4175C>G, p.Ser1392Cys (NM_001321307.1); short protein forms S1385C, S1392C.
Identifiers: ClinVar variation 3407268 (VCV003407268.1).
Genomic context (GRCh38, chr11:108,160,932, plus strand): 5'-AAACTTGCCTTAATTTTCTTCTTTTTCATTGGTATTGATGAATTTGTAAGATTTTTACTA[G>C]AAGGACGAGAGTTTCGCTCACGTTCATCTAATTCCTCAATTTTCCGCTTTTTTGTGGTGC-3'
Protein context (NP_002510.2, residues 1375-1395): LDERERNSRP[Ser1385Cys]SKNLTNSSIP